The following is an entry in ClinVar:

ClinVar aggregate classification (germline): Likely benign. Review status: criteria provided, single submitter (1 of 4 stars). 2 submissions from 2 submitters: Likely benign (1). 1 of the submissions does not count toward it. Last evaluated 2025-04-09.

Conditions:
FHL1-related disorder. Also called: FHL1-related disorders; FHL1-related condition.

gnomAD v4.1: 7 of 1,211,662 alleles (0.00058%); highest among the groups gnomAD compares: African/African-American, 0.0017%; no homozygotes.

Submissions (2):

Molecular Diagnostic Laboratory for Inherited Cardiovascular Disease, Montreal Heart Institute
Classification: Likely benign. Last evaluated: 2025-04-09. Review status: criteria provided, single submitter. Criteria: ACMG Guidelines, 2015. Collection method: clinical testing. Allele origin: germline. Affected: no.

PreventionGenetics, part of Exact Sciences
Classification: Likely benign for FHL1-related condition. Last evaluated: 2020-10-28. Review status: no assertion criteria provided. Collection method: clinical testing. Allele origin: germline. Not counted in ClinVar's aggregate classification.
Comment: This variant is classified as likely benign based on ACMG/AMP sequence variant interpretation guidelines (Richards et al. 2015 PMID: 25741868, with internal and published modifications).

NM_001159699.2(FHL1):c.23-4G>A

Gene: FHL1 (four and a half LIM domains 1; plus strand). Cytogenetic location: Xq26.3.
Variant type: single nucleotide variant.
Coding change: c.23-4G>A on transcript NM_001159699.2 (MANE Select); 4 bases into the intron before coding-DNA position 23, G replaced by A.
Molecular consequence: intron variant.
Genome position (GRCh38, 1-based): chrX:136,206,403, G>A. VCF-style: chrX-136206403-G-A. GRCh37 (hg19) VCF-style: chrX-135288562-G-A.
Other names: c.-26-4G>A (NM_001159702.3, NM_001449.5, NM_001159703.2 and 9 more transcripts); c.62-4G>A (NM_001159701.2, NM_001159701.1); c.23-4G>A (NM_001330659.2).
Identifiers: ClinVar variation 3350784 (VCV003350784.2), dbSNP rs113620195.
Genomic context (GRCh38, chrX:136,206,403, plus strand): 5'-AGCCACTGCTCAGGGTGCTGGGGCATTTCCTGTGGTCATTTGTCCTGTCTGCTTGCCCCC[G>A]CAGGTCCCTCCAGCTACAAGGTGGGCACCATGGCGGAGAAGTTTGACTGCCACTACTGCA-3'